The following is an entry in ClinVar:

NM_001166108.2(PALLD):c.2412G>C (p.Lys804Asn)

Genes: PALLD (palladin, cytoskeletal associated protein; plus strand), CBR4 (carbonyl reductase 4; minus strand). Cytogenetic location: 4q32.3.
Variant type: single nucleotide variant.
Coding change: c.2412G>C on transcript NM_001166108.2 (MANE Select); coding-DNA position 2412, G replaced by C.
Protein change: p.Lys804Asn; replaces lysine 804 with asparagine.
Molecular consequence: missense variant.
Genome position (GRCh38, 1-based): chr4:168,898,654, G>C. VCF-style: chr4-168898654-G-C. GRCh37 (hg19) VCF-style: chr4-169819805-G-C.
Other names: c.1215G>C, p.Lys405Asn (NM_001166109.2); c.900G>C, p.Lys300Asn (NM_001166110.2); c.240G>C, p.Lys80Asn (NM_001367567.1, NM_001367569.1); c.291G>C, p.Lys97Asn (NM_001367568.1, NM_001367570.1); c.2361G>C, p.Lys787Asn (NM_016081.4); short protein forms K80N, K787N, K804N, K97N, K300N, K405N.
Identifiers: ClinVar variation 1790172 (VCV001790172.2), dbSNP rs1221025189, ClinGen allele CA358799081.

ClinVar aggregate classification (germline): Uncertain significance (1 of 4 stars; one submission).

Allele frequency attached by ClinVar (database versions not stated): gnomAD exomes below 0.00001; gnomAD 0.00001.
gnomAD v4.1: 8 of 1,614,056 alleles (0.0005%); highest among the groups gnomAD compares: Non-Finnish European, 0.00068%; no homozygotes.

Submission:

Ambry Genetics
Classification: Uncertain significance. Last evaluated: 2022-05-22. Review status: criteria provided, single submitter. Criteria: Ambry Variant Classification Scheme 2023. Collection method: clinical testing. Allele origin: germline.
Comment: The p.K787N variant (also known as c.2361G>C), located in coding exon 12 of the PALLD gene, results from a G to C substitution at nucleotide position 2361. The lysine at codon 787 is replaced by asparagine, an amino acid with similar properties. This amino acid position is conserved. In addition, this alteration is predicted to be tolerated by in silico analysis. Since supporting evidence is limited at this time, the clinical significance of this alteration remains unclear.